The following is an entry in ClinVar:

ClinVar aggregate classification (germline): Likely benign (1 of 4 stars; one submission).

Allele frequency attached by ClinVar (database versions not stated): 1000 Genomes Project 30x 0.00265; 1000 Genomes Project 0.00280; TOPMed 0.00460; gnomAD 0.00493; ExAC 0.00513; ESP Exome Variant Server 0.00538.
gnomAD v4.1: 11,619 of 1,614,128 alleles (0.72%); highest among the groups gnomAD compares: Non-Finnish European, 0.84%; 59 homozygotes.

Submission:

CeGaT Center for Human Genetics Tuebingen
Classification: Likely benign. Last evaluated: 2022-12-01. Review status: criteria provided, single submitter. Criteria: CeGaT Center For Human Genetics Tuebingen Variant Classification Criteria Version 2. Collection method: clinical testing. Allele origin: germline. Affected: yes. Observed: 1 variant allele.
Comment: SEMA4F: BP4, BS2

NM_004263.5(SEMA4F):c.235G>A (p.Val79Ile)

Gene: SEMA4F (ssemaphorin 4F; plus strand). Cytogenetic location: 2p13.1.
Variant type: single nucleotide variant.
Coding change: c.235G>A on transcript NM_004263.5 (MANE Select); coding-DNA position 235, G replaced by A.
Protein change: p.Val79Ile; replaces valine 79 with isoleucine.
Molecular consequence: missense variant. On other transcripts: non-coding transcript variant (2).
Genome position (GRCh38, 1-based): chr2:74,656,623, G>A. VCF-style: chr2-74656623-G-A. GRCh37 (hg19) VCF-style: chr2-74883750-G-A.
Other names: c.235G>A, p.Val79Ile (NM_001271661.2, NM_001271662.2); short protein forms V79I.
Identifiers: ClinVar variation 2651079 (VCV002651079.24), dbSNP rs139676653, ClinGen allele CA1730266.
Genomic context (GRCh38, chr2:74,656,623, plus strand): 5'-GTCCCTCACACATACAATTACTCTGTTCTCCTTGTGGATCCTGCCTCCCACACACTTTAT[G>A]TTGGCGCCCGGGACACCATCTTCGCTTTATCCCTGCCCTTCTCAGGGGAGAGACCCCGCA-3'
Protein context (NP_004254.2, residues 69-89): LVDPASHTLY[Val79Ile]GARDTIFALS